The following is an entry in ClinVar:

ClinVar aggregate classification (germline): Uncertain significance (1 of 4 stars; one submission).

Conditions:
SEMA3G-related disorder. Also called: SEMA3G-related condition.

Allele frequency attached by ClinVar (database versions not stated): gnomAD exomes below 0.00001; TOPMed 0.00002; gnomAD 0.00003.
gnomAD v4.1: 6 of 1,611,766 alleles (0.00037%); highest among the groups gnomAD compares: African/African-American, 0.008%; no homozygotes.

Submission:

PreventionGenetics, part of Exact Sciences
Classification: Uncertain significance for SEMA3G-related condition. Last evaluated: 2025-09-10. Review status: criteria provided, single submitter. Criteria: ACMG Guidelines, 2015. Collection method: clinical testing. Allele origin: germline.
Comment: The SEMA3G c.1040C>A variant is predicted to result in the amino acid substitution p.Ala347Glu. To our knowledge, this variant has not been reported in the literature. This variant is reported in 0.011% of alleles in individuals of African descent in gnomAD. At this time, the clinical significance of this variant is uncertain due to the absence of conclusive functional and genetic evidence.

NM_020163.3(SEMA3G):c.1040C>A (p.Ala347Glu)

Gene: SEMA3G (semaphorin 3G; minus strand). Cytogenetic location: 3p21.1.
Variant type: single nucleotide variant.
Coding change: c.1040C>A on transcript NM_020163.3 (MANE Select); coding-DNA position 1040, C replaced by A.
Protein change: p.Ala347Glu; replaces alanine 347 with glutamic acid.
Molecular consequence: missense variant.
Genome position (GRCh38, 1-based): chr3:52,440,480, G>T on the plus strand (C>A on the coding strand, the complement: SEMA3G is on the minus strand). VCF-style: chr3-52440480-G-T. GRCh37 (hg19) VCF-style: chr3-52474496-G-T.
Other names: short protein forms A347E.
Identifiers: ClinVar variation 2628937 (VCV002628937.2), dbSNP rs1024479642, ClinGen allele CA74766643.